The following is an entry in ClinVar:

ClinVar aggregate classification (germline): Uncertain significance (1 of 4 stars; one submission).

Conditions:
Familial temporal lobe epilepsy 7. Identifiers: Orphanet 101046, MedGen C4225327, MONDO:0014639, OMIM 616436.
Norman-Roberts syndrome (LIS2). Also called: Lissencephaly 2 (Norman-Roberts type). Identifiers: Orphanet 89844, MedGen C0796089, MONDO:0009760, OMIM 257320.

Allele frequency attached by ClinVar (database versions not stated): gnomAD exomes below 0.00001.
gnomAD v4.1: 1 of 1,614,088 alleles (0.000062%); highest among the groups gnomAD compares: Non-Finnish European, 0.000085%; no homozygotes.

Submission:

Labcorp Genetics (formerly Invitae), Labcorp
Classification: Uncertain significance for Familial temporal lobe epilepsy 7; Norman-Roberts syndrome. Last evaluated: 2025-05-27. Review status: criteria provided, single submitter. Criteria: Invitae Variant Classification Sherloc (09022015). Collection method: clinical testing. Allele origin: germline.
Comment: This sequence change replaces proline, which is neutral and non-polar, with leucine, which is neutral and non-polar, at codon 2526 of the RELN protein (p.Pro2526Leu). This variant is not present in population databases (gnomAD no frequency). This variant has not been reported in the literature in individuals affected with RELN-related conditions. ClinVar contains an entry for this variant (Variation ID: 1020835). Invitae Evidence Modeling of protein sequence and biophysical properties (such as structural, functional, and spatial information, amino acid conservation, physicochemical variation, residue mobility, and thermodynamic stability) indicates that this missense variant is not expected to disrupt RELN protein function with a negative predictive value of 80%. In summary, the available evidence is currently insufficient to determine the role of this variant in disease. Therefore, it has been classified as a Variant of Uncertain Significance.

NM_005045.4(RELN):c.7577C>T (p.Pro2526Leu)

Gene: RELN (reelin; minus strand). Cytogenetic location: 7q22.1.
Variant type: single nucleotide variant.
Coding change: c.7577C>T on transcript NM_005045.4 (MANE Select); coding-DNA position 7577, C replaced by T.
Protein change: p.Pro2526Leu; replaces proline 2526 with leucine.
Molecular consequence: missense variant.
Genome position (GRCh38, 1-based): chr7:103,522,113, G>A on the plus strand (C>T on the coding strand, the complement: RELN is on the minus strand). VCF-style: chr7-103522113-G-A. GRCh37 (hg19) VCF-style: chr7-103162560-G-A.
Other names: c.7577C>T, p.Pro2526Leu (NM_173054.3); short protein forms P2526L.
Identifiers: ClinVar variation 1020835 (VCV001020835.8), dbSNP rs1829721999, ClinGen allele CA368767152.